The following is an entry in ClinVar:

ClinVar aggregate classification (germline): Uncertain significance. Review status: criteria provided, multiple submitters, no conflicts (2 of 4 stars). 3 submissions from 3 submitters: Uncertain significance (3). Last evaluated 2026-06-16.

Conditions:
Inborn genetic diseases. Identifiers: MedGen C0950123, MeSH D030342.

gnomAD v4.1: 26 of 1,613,802 alleles (0.0016%); highest among the groups gnomAD compares: Admixed American, 0.018%; no homozygotes.

Submissions (3):

Women's Health and Genetics/Laboratory Corporation of America, LabCorp
Classification: Uncertain significance. Last evaluated: 2026-06-16. Review status: criteria provided, single submitter. Criteria: LabCorp Variant Classification Summary - May 2015. Collection method: clinical testing. Allele origin: germline.
Comment: Variant summary: ACAN c.1985T>G (p.Leu662Arg) results in a non-conservative amino acid change in the encoded protein sequence. Algorithms developed to predict the effect of missense changes on protein structure and function are either unavailable or do not agree on the potential impact of this missense change. The variant allele was found at a frequency of 1.2e-05 in 246956 control chromosomes. The available data on variant occurrences in the general population are insufficient to allow any conclusion about variant significance. To our knowledge, no occurrence of c.1985T>G in individuals affected with ACAN-related conditions and no experimental evidence demonstrating its impact on protein function have been reported. ClinVar contains an entry for this variant (Variation ID: 3813076). Based on the evidence outlined above, the variant was classified as uncertain significance.

Labcorp Genetics (formerly Invitae), Labcorp
Classification: Uncertain significance. Last evaluated: 2025-11-22. Review status: criteria provided, single submitter. Criteria: Invitae Variant Classification Sherloc (09022015). Collection method: clinical testing. Allele origin: germline.
Comment: This sequence change replaces leucine, which is neutral and non-polar, with arginine, which is basic and polar, at codon 662 of the ACAN protein (p.Leu662Arg). This variant is present in population databases (rs773685275, gnomAD 0.004%). This variant has not been reported in the literature in individuals affected with ACAN-related conditions. ClinVar contains an entry for this variant (Variation ID: 3813076). Invitae Evidence Modeling of protein sequence and biophysical properties (such as structural, functional, and spatial information, amino acid conservation, physicochemical variation, residue mobility, and thermodynamic stability) indicates that this missense variant is not expected to disrupt ACAN protein function with a negative predictive value of 80%. In summary, the available evidence is currently insufficient to determine the role of this variant in disease. Therefore, it has been classified as a Variant of Uncertain Significance.

Ambry Genetics
Classification: Uncertain significance for Inborn genetic diseases. Last evaluated: 2025-02-02. Review status: criteria provided, single submitter. Criteria: Ambry Variant Classification Scheme 2023. Collection method: clinical testing. Allele origin: germline.

NM_001369268.1(ACAN):c.1985T>G (p.Leu662Arg)

Gene: ACAN (aggrecan; plus strand). Cytogenetic location: 15q26.1.
Variant type: single nucleotide variant.
Coding change: c.1985T>G on transcript NM_001369268.1 (MANE Select); coding-DNA position 1985, T replaced by G.
Protein change: p.Leu662Arg; replaces leucine 662 with arginine.
Molecular consequence: missense variant.
Genome position (GRCh38, 1-based): chr15:88,849,690, T>G. VCF-style: chr15-88849690-T-G. GRCh37 (hg19) VCF-style: chr15-89392921-T-G.
Other names: c.1985T>G, p.Leu662Arg (NM_001135.4, NM_001411096.1, NM_001411097.1 and 1 more transcripts); short protein forms L662R.
Identifiers: ClinVar variation 3813076 (VCV003813076.3).